The following is an entry in ClinVar:

ClinVar aggregate classification (germline): Uncertain significance (1 of 4 stars; one submission).

Conditions:
Nemaline myopathy 2 (NEM2). Also called: Nemaline myopathy 2, autosomal recessive. Identifiers: MedGen C1850569, MONDO:0009725, OMIM 256030.

Submission:

Labcorp Genetics (formerly Invitae), Labcorp
Classification: Uncertain significance for Nemaline myopathy 2. Last evaluated: 2021-05-31. Review status: criteria provided, single submitter. Criteria: Invitae Variant Classification Sherloc (09022015). Collection method: clinical testing. Allele origin: germline.
Comment: This sequence change replaces alanine with serine at codon 1881 of the NEB protein (p.Ala1881Ser). The alanine residue is highly conserved and there is a moderate physicochemical difference between alanine and serine. The frequency data for this variant in the population databases is not available, as this variant may be reported as separate entries in the ExAC database. This variant has not been reported in the literature in individuals with NEB-related conditions. Experimental studies and prediction algorithms are not available or were not evaluated, and the functional significance of this variant is currently unknown. In summary, the available evidence is currently insufficient to determine the role of this variant in disease. Therefore, it has been classified as a Variant of Uncertain Significance.

NM_001164508.2(NEB):c.5641_5642delinsAG (p.Ala1881Ser)

Gene: NEB (nebulin; minus strand). Cytogenetic location: 2q23.3.
Variant type: Indel.
Coding change: c.5641_5642delinsAG on transcript NM_001164508.2 (MANE Select); coding-DNA positions 5641 to 5642, GC replaced by AG.
Protein change: p.Ala1881Ser; replaces alanine 1881 with serine.
Molecular consequence: missense variant.
Genome position (GRCh38, 1-based): chr2:151,663,669-151,663,670, GC replaced by CT on the plus strand (GC replaced by AG on the coding strand, the reverse complement: NEB is on the minus strand). VCF-style: chr2-151663669-GC-CT. GRCh37 (hg19) VCF-style: chr2-152520183-GC-CT.
Other names: c.5641_5642delinsAG, p.Ala1881Ser (NM_001164507.2, NM_001271208.2, NM_004543.5); short protein forms A1881S.
Identifiers: ClinVar variation 1351068 (VCV001351068.3), dbSNP rs2154172447, ClinGen allele CA2573133241.